The following is an entry in ClinVar:

NM_004560.4(ROR2):c.2782G>C (p.Asp928His)

Gene: ROR2 (receptor tyrosine kinase like orphan receptor 2; minus strand). Cytogenetic location: 9q22.31.
Variant type: single nucleotide variant.
Coding change: c.2782G>C on transcript NM_004560.4 (MANE Select); coding-DNA position 2782, G replaced by C.
Protein change: p.Asp928His; replaces aspartic acid 928 with histidine.
Molecular consequence: missense variant.
Genome position (GRCh38, 1-based): chr9:91,723,712, C>G on the plus strand (G>C on the coding strand, the complement: ROR2 is on the minus strand). VCF-style: chr9-91723712-C-G. GRCh37 (hg19) VCF-style: chr9-94485994-C-G.
Other names: c.2782G>C (NM_004560.3); short protein forms D928H.
Identifiers: ClinVar variation 1503564 (VCV001503564.9), dbSNP rs199855010, ClinGen allele CA5120313.

ClinVar aggregate classification (germline): Uncertain significance. Review status: criteria provided, multiple submitters, no conflicts (2 of 4 stars). 3 submissions from 3 submitters: Uncertain significance (3). Last evaluated 2025-05-30.

Conditions:
Inborn genetic diseases. Identifiers: MedGen C0950123, MeSH D030342.
Brachydactyly type B1 (BDB1). Identifiers: Orphanet 572385, Orphanet 93383, MedGen C1862112, MONDO:0007220, OMIM 113000.
Autosomal recessive Robinow syndrome (RRS1). Also called: ROR2-Related Robinow Syndrome; COSTOVERTEBRAL SEGMENTATION DEFECT WITH MESOMELIA; COVESDEM SYNDROME; ROBINOW SYNDROME, AUTOSOMAL RECESSIVE 1. Identifiers: Orphanet 1507, Orphanet 97360, MedGen C5399974, MONDO:0009999, OMIM 268310.

Allele frequency attached by ClinVar (database versions not stated): ExAC 0.00001; gnomAD exomes 0.00001; gnomAD 0.00008 and 0.00009; TOPMed 0.00014; 1000 Genomes Project 30x 0.00016; 1000 Genomes Project 0.00020.
gnomAD v4.1: 17 of 1,613,910 alleles (0.0011%); highest among the groups gnomAD compares: Admixed American, 0.02%; no homozygotes.

Submissions (3):

Labcorp Genetics (formerly Invitae), Labcorp
Classification: Uncertain significance. Last evaluated: 2025-05-30. Review status: criteria provided, single submitter. Criteria: Invitae Variant Classification Sherloc (09022015). Collection method: clinical testing. Allele origin: germline.
Comment: This sequence change replaces aspartic acid, which is acidic and polar, with histidine, which is basic and polar, at codon 928 of the ROR2 protein (p.Asp928His). This variant is present in population databases (rs199855010, gnomAD 0.006%). This variant has not been reported in the literature in individuals affected with ROR2-related conditions. ClinVar contains an entry for this variant (Variation ID: 1503564). Invitae Evidence Modeling of protein sequence and biophysical properties (such as structural, functional, and spatial information, amino acid conservation, physicochemical variation, residue mobility, and thermodynamic stability) indicates that this missense variant is not expected to disrupt ROR2 protein function with a negative predictive value of 95%. In summary, the available evidence is currently insufficient to determine the role of this variant in disease. Therefore, it has been classified as a Variant of Uncertain Significance.

Fulgent Genetics
Classification: Uncertain significance for Brachydactyly type B1; Autosomal recessive Robinow syndrome. Last evaluated: 2024-04-18. Review status: criteria provided, single submitter. Criteria: ACMG Guidelines, 2015. Collection method: clinical testing. Allele origin: germline.

Ambry Genetics
Classification: Uncertain significance for Inborn genetic diseases. Last evaluated: 2022-06-21. Review status: criteria provided, single submitter. Criteria: Ambry Variant Classification Scheme 2023. Collection method: clinical testing. Allele origin: germline.